The following is an entry in ClinVar:

NM_000030.3(AGXT):c.166-14C>T

Gene: AGXT (alanine--glyoxylate aminotransferase; plus strand). Cytogenetic location: 2q37.3.
Variant type: single nucleotide variant.
Coding change: c.166-14C>T on transcript NM_000030.3 (MANE Select); 14 bases into the intron before coding-DNA position 166, C replaced by T.
Molecular consequence: intron variant.
Genome position (GRCh38, 1-based): chr2:240,869,156, C>T. VCF-style: chr2-240869156-C-T. GRCh37 (hg19) VCF-style: chr2-241808573-C-T.
Identifiers: ClinVar variation 204029 (VCV000204029.17), dbSNP rs180177176, ClinGen allele CA275562.
Genomic context (GRCh38, chr2:240,869,156, plus strand): 5'-AGGGAAGGGGGTCACTGCCTCCTCACTTGGGGAGGCGGGGAGCCTGGGTCTCACCCTATA[C>T]CACCCGCATGCAGATCATGGACGAGATCAAGGAAGGCATCCAGTACGTGTTCCAGACCAG-3'

ClinVar aggregate classification (germline): Benign/Likely benign. Review status: criteria provided, multiple submitters, no conflicts (2 of 4 stars). 6 submissions from 6 submitters: Benign (2); Likely benign (3). 1 of the submissions does not count toward it. Last evaluated 2026-01-26.

Conditions:
Primary hyperoxaluria, type I (HP1). Also called: GLYCOLIC ACIDURIA; HEPATIC AGT DEFICIENCY; OXALOSIS I; Primary hyperoxaluria type 1. Identifiers: Orphanet 416, Orphanet 93598, MedGen C0268164, MONDO:0009823, OMIM 259900. Disease mechanism: loss of function.

Allele frequency attached by ClinVar (database versions not stated): 1000 Genomes Project 0.00140; 1000 Genomes Project 30x 0.00187; TOPMed 0.00282; ESP Exome Variant Server 0.00331; gnomAD exomes 0.00347 and 0.00437; ExAC 0.00421; gnomAD 0.00464 and 0.00486.
gnomAD v4.1: 6,246 of 1,439,122 alleles (0.43%); highest among the groups gnomAD compares: Non-Finnish European, 0.52%; 26 homozygotes.

Submissions (6):

Labcorp Genetics (formerly Invitae), Labcorp
Classification: Benign. Last evaluated: 2026-01-26. Review status: criteria provided, single submitter. Criteria: Invitae Variant Classification Sherloc (09022015). Collection method: clinical testing. Allele origin: germline.

Women's Health and Genetics/Laboratory Corporation of America, LabCorp
Classification: Benign. Last evaluated: 2020-04-30. Review status: criteria provided, single submitter. Criteria: LabCorp Variant Classification Summary - May 2015. Collection method: clinical testing. Allele origin: germline.
Comment: Variant summary: AGXT c.166-14C>T alters a non-conserved nucleotide located close to a canonical splice site and therefore could affect mRNA splicing, leading to a significantly altered protein sequence. 4/4 computational tools predict no significant impact on normal splicing. However, these predictions have yet to be confirmed by functional studies. The variant allele was found at a frequency of 0.0036 in 274786 control chromosomes, predominantly at a frequency of 0.0059 within the Non-Finnish European subpopulation in the gnomAD database, including 4 homozygotes. The observed variant frequency within Non-Finnish European control individuals in the gnomAD database is approximately 2 fold of the estimated maximal expected allele frequency for a pathogenic variant in AGXT causing Primary Hyperoxaluria Type 1 phenotype (0.0024), strongly suggesting that the variant is a benign polymorphism found primarily in populations of Non-Finnish European origin. c.166-14C>T has been reported in the literature as a polymorphic variant (Williams_2009). To our knowledge, no experimental evidence demonstrating an impact on protein function has been reported. No clinical diagnostic laboratories have submitted clinical-significance assessments for this variant to ClinVar after 2014. Based on the evidence outlined above, the variant was classified as benign.

Illumina Laboratory Services, Illumina
Classification: Likely benign for Primary hyperoxaluria, type I. Last evaluated: 2018-01-13. Review status: criteria provided, single submitter. Criteria: ICSL Variant Classification Criteria 13 December 2019. Collection method: clinical testing. Allele origin: germline.
Comment: This variant was observed in the ICSL laboratory as part of a predisposition screen in an ostensibly healthy population. It had not been previously curated by ICSL or reported in the Human Gene Mutation Database (HGMD: prior to June 1st, 2018), and was therefore a candidate for classification through an automated scoring system. Utilizing variant allele frequency, disease prevalence and penetrance estimates, and inheritance mode, an automated score was calculated to assess if this variant is too frequent to cause the disease. Based on the score and internal cut-off values, a variant classified as likely benign is not then subjected to further curation. The score for this variant resulted in a classification of likely benign for this disease.

Breakthrough Genomics
Classification: Likely benign. Review status: criteria provided, single submitter. Criteria: ACMG Guidelines, 2015. Collection method: not provided. Allele origin: germline. Inheritance: Autosomal recessive inheritance. Affected: yes.

PreventionGenetics, part of Exact Sciences
Classification: Likely benign. Review status: criteria provided, single submitter. Criteria: ACMG Guidelines, 2015. Collection method: clinical testing. Allele origin: germline.

Clinical Biochemistry Laboratory, Health Services Laboratory
Classification: Uncertain significance for Primary hyperoxaluria, type I. Last evaluated: 2014-11-27. Review status: no assertion criteria provided. Collection method: research. Allele origin: germline. Affected: yes. Not counted in ClinVar's aggregate classification.

Literature cited by the submitters: PubMed 19479957 (cited by Women's Health and Genetics/Laboratory Corporation of America, LabCorp and Clinical Biochemistry Laboratory, Health Services Laboratory).